The following is an entry in ClinVar:

ClinVar aggregate classification (germline): Uncertain significance. Review status: criteria provided, multiple submitters, no conflicts (2 of 4 stars). 2 submissions from 2 submitters: Uncertain significance (2). Last evaluated 2025-06-22.

Conditions:
Gastrointestinal stromal tumor. Also called: Gastrointestinal stromal tumor, somatic; Gastrointestinal stroma tumor. Identifiers: Orphanet 44890, MedGen C0238198, MeSH D046152, MONDO:0011719, OMIM 606764, HP:0100723.
Hereditary cancer-predisposing syndrome. Also called: Neoplastic Syndromes, Hereditary; Hereditary Cancer Syndrome; Hereditary neoplastic syndrome; Tumor predisposition. Identifiers: Orphanet 140162, MedGen C0027672, MeSH D009386, MONDO:0015356.

Allele frequency attached by ClinVar (database versions not stated): gnomAD exomes below 0.00001.

Submissions (2):

Ambry Genetics
Classification: Uncertain significance for Hereditary cancer-predisposing syndrome. Last evaluated: 2025-06-22. Review status: criteria provided, single submitter. Criteria: Ambry Variant Classification Scheme 2023. Collection method: clinical testing. Allele origin: germline.
Comment: The p.E229Q variant (also known as c.685G>C), located in coding exon 4 of the PDGFRA gene, results from a G to C substitution at nucleotide position 685. The glutamic acid at codon 229 is replaced by glutamine, an amino acid with highly similar properties. This amino acid position is conserved. In addition, this alteration is predicted to be tolerated by in silico analysis. Since supporting evidence is limited at this time, the clinical significance of this alteration remains unclear.

Labcorp Genetics (formerly Invitae), Labcorp
Classification: Uncertain significance for Gastrointestinal stromal tumor. Last evaluated: 2025-01-30. Review status: criteria provided, single submitter. Criteria: Invitae Variant Classification Sherloc (09022015). Collection method: clinical testing. Allele origin: germline.
Comment: This sequence change replaces glutamic acid, which is acidic and polar, with glutamine, which is neutral and polar, at codon 229 of the PDGFRA protein (p.Glu229Gln). This variant is present in population databases (no rsID available, gnomAD 0.003%). This variant has not been reported in the literature in individuals affected with PDGFRA-related conditions. ClinVar contains an entry for this variant (Variation ID: 1002805). Invitae Evidence Modeling of protein sequence and biophysical properties (such as structural, functional, and spatial information, amino acid conservation, physicochemical variation, residue mobility, and thermodynamic stability) has been performed for this missense variant. However, the output from this modeling did not meet the statistical confidence thresholds required to predict the impact of this variant on PDGFRA protein function. In summary, the available evidence is currently insufficient to determine the role of this variant in disease. Therefore, it has been classified as a Variant of Uncertain Significance.

NM_006206.6(PDGFRA):c.685G>C (p.Glu229Gln)

Gene: PDGFRA (platelet derived growth factor receptor alpha; plus strand). Cytogenetic location: 4q12.
Variant type: single nucleotide variant.
Coding change: c.685G>C on transcript NM_006206.6 (MANE Select); coding-DNA position 685, G replaced by C.
Protein change: p.Glu229Gln; replaces glutamic acid 229 with glutamine.
Molecular consequence: missense variant.
Genome position (GRCh38, 1-based): chr4:54,264,975, G>C. VCF-style: chr4-54264975-G-C. GRCh37 (hg19) VCF-style: chr4-55131142-G-C.
Other names: c.685G>C, p.Glu229Gln (NM_001347827.2, NM_001347829.2); c.760G>C, p.Glu254Gln (NM_001347828.2); c.724G>C, p.Glu242Gln (NM_001347830.2); short protein forms E229Q, E242Q, E254Q.
Identifiers: ClinVar variation 1002805 (VCV001002805.20), dbSNP rs1250098734, ClinGen allele CA356890872.